The following is an entry in ClinVar:

NM_024529.5(CDC73):c.-9G>C

Gene: CDC73 (cell division cycle 73; plus strand). Cytogenetic location: 1q31.2.
Variant type: single nucleotide variant.
Coding change: c.-9G>C on transcript NM_024529.5 (MANE Select); 9 bases upstream of the start codon, G replaced by C.
Molecular consequence: 5 prime UTR variant.
Genome position (GRCh38, 1-based): chr1:193,122,192, G>C. VCF-style: chr1-193122192-G-C. GRCh37 (hg19) VCF-style: chr1-193091322-G-C.
Identifiers: ClinVar variation 2662681 (VCV002662681.1), dbSNP rs200382043, ClinGen allele CA1303233.

ClinVar aggregate classification (germline): Uncertain significance (1 of 4 stars; one submission).

Allele frequency attached by ClinVar (database versions not stated): 1000 Genomes Project 30x 0.00016; 1000 Genomes Project 0.00020.
gnomAD v4.1: 68 of 1,613,110 alleles (0.0042%); highest among the groups gnomAD compares: Non-Finnish European, 0.0053%; no homozygotes.

Submission:

GeneDx
Classification: Uncertain significance. Last evaluated: 2023-04-12. Review status: criteria provided, single submitter. Criteria: GeneDx Variant Classification Process June 2021. Collection method: clinical testing. Allele origin: germline. Affected: yes.
Comment: Nucleotide substitution has no predicted effect on splicing and is not conserved across species; Has not been previously published as pathogenic or benign to our knowledge